The following is an entry in ClinVar:

ClinVar aggregate classification (germline): Uncertain significance (1 of 4 stars; one submission).

Allele frequency attached by ClinVar (database versions not stated): gnomAD 0.00002; gnomAD exomes 0.00002.
gnomAD v4.1: 28 of 1,613,890 alleles (0.0017%); highest among the groups gnomAD compares: African/African-American, 0.004%; no homozygotes.

Submission:

Labcorp Genetics (formerly Invitae), Labcorp
Classification: Uncertain significance. Last evaluated: 2024-04-16. Review status: criteria provided, single submitter. Criteria: Invitae Variant Classification Sherloc (09022015). Collection method: clinical testing. Allele origin: germline.
Comment: This sequence change replaces arginine, which is basic and polar, with tryptophan, which is neutral and slightly polar, at codon 865 of the VPS11 protein (p.Arg865Trp). This variant is present in population databases (no rsID available, gnomAD 0.007%). This variant has not been reported in the literature in individuals affected with VPS11-related conditions. ClinVar contains an entry for this variant (Variation ID: 1920068). Advanced modeling of protein sequence and biophysical properties (such as structural, functional, and spatial information, amino acid conservation, physicochemical variation, residue mobility, and thermodynamic stability) performed at Invitae indicates that this missense variant is expected to disrupt VPS11 protein function with a positive predictive value of 80%. In summary, the available evidence is currently insufficient to determine the role of this variant in disease. Therefore, it has been classified as a Variant of Uncertain Significance.

NM_021729.6(VPS11):c.2593C>T (p.Arg865Trp)

Gene: VPS11 (VPS11 core subunit of CORVET and HOPS complexes; plus strand). Cytogenetic location: 11q23.3.
Variant type: single nucleotide variant.
Coding change: c.2593C>T on transcript NM_021729.6 (MANE Select); coding-DNA position 2593, C replaced by T.
Protein change: p.Arg865Trp; replaces arginine 865 with tryptophan.
Molecular consequence: missense variant. On other transcripts: non-coding transcript variant (8).
Genome position (GRCh38, 1-based): chr11:119,081,246, C>T. VCF-style: chr11-119081246-C-T. GRCh37 (hg19) VCF-style: chr11-118951956-C-T.
Other names: c.2563C>T, p.Arg855Trp (NM_001290185.2); c.2605C>T, p.Arg869Trp (NM_001378218.1, NM_001378219.1); c.2578C>T, p.Arg860Trp (NM_001378220.1); c.2575C>T, p.Arg859Trp (NM_001378221.1); short protein forms R869W, R860W, R865W, R859W, R855W.
Identifiers: ClinVar variation 1920068 (VCV001920068.4), dbSNP rs989248611, ClinGen allele CA229640709.